The following is an entry in ClinVar:

ClinVar aggregate classification (germline): Uncertain significance (1 of 4 stars; one submission).

gnomAD v4.1: 2 of 1,608,842 alleles (0.00012%); highest among the groups gnomAD compares: Non-Finnish European, 0.00017%; no homozygotes.

Submission:

Labcorp Genetics (formerly Invitae), Labcorp
Classification: Uncertain significance. Last evaluated: 2025-07-28. Review status: criteria provided, single submitter. Criteria: Invitae Variant Classification Sherloc (09022015). Collection method: clinical testing. Allele origin: germline.
Comment: This sequence change replaces valine, which is neutral and non-polar, with isoleucine, which is neutral and non-polar, at codon 150 of the TRAPPC3 protein (p.Val150Ile). This variant is not present in population databases (gnomAD no frequency). This variant has not been reported in the literature in individuals affected with TRAPPC3-related conditions. Experimental studies and prediction algorithms are not available or were not evaluated, and the functional significance of this variant is currently unknown. In summary, the available evidence is currently insufficient to determine the role of this variant in disease. Therefore, it has been classified as a Variant of Uncertain Significance.

NM_014408.5(TRAPPC3):c.424G>A (p.Val142Ile)

Gene: TRAPPC3 (trafficking protein particle complex subunit 3; minus strand). Cytogenetic location: 1p34.3.
Variant type: single nucleotide variant.
Coding change: c.424G>A on transcript NM_014408.5 (MANE Select); coding-DNA position 424, G replaced by A.
Protein change: p.Val142Ile; replaces valine 142 with isoleucine.
Molecular consequence: missense variant. On other transcripts: non-coding transcript variant (2).
Genome position (GRCh38, 1-based): chr1:36,137,322, C>T on the plus strand (G>A on the coding strand, the complement: TRAPPC3 is on the minus strand). VCF-style: chr1-36137322-C-T. GRCh37 (hg19) VCF-style: chr1-36602923-C-T.
Other names: c.448G>A, p.Val150Ile (NM_001270894.2); c.286G>A, p.Val96Ile (NM_001270895.2, NM_001270896.2); c.226G>A, p.Val76Ile (NM_001270897.2); short protein forms V76I, V150I, V96I, V142I.
Identifiers: ClinVar variation 4776741 (VCV004776741.1).
Genomic context (GRCh38, chr1:36,137,322, plus strand): 5'-CTGTCACACCGTCTCCTTTCAGGGTGTCCTGGACAAACTTGGCCTCCACAGCCATCTGGA[C>T]CTGGGGGACAGTGGGAAAACGAAGGGGTAGCTGCCTGGCCACAGCCTCTAGGGAACCAGT-3'
Protein context (NP_055223.1, residues 132-152): CGVLRGALEM[Val142Ile]QMAVEAKFVQ